The following is an entry in ClinVar:

ClinVar aggregate classification (germline): Pathogenic (1 of 4 stars; one submission).

Conditions:
Autosomal recessive ataxia, Beauce type. Also called: SYNE1-Related Autosomal Recessive Cerebellar Ataxia; Spinocerebellar ataxia, autosomal recessive 8; ATAXIA, RECESSIVE, OF BEAUCE; SYNE1 Deficiency. Identifiers: Orphanet 88644, MedGen C1853116, MONDO:0012549, OMIM 610743.
Emery-Dreifuss muscular dystrophy 4, autosomal dominant (EDMD4). Also called: EMERY-DREIFUSS MUSCULAR DYSTROPHY 4 WITH VARIABLE FEATURES. Identifiers: Orphanet 261, MedGen C2751807, MONDO:0013071, OMIM 612998.

Submission:

Labcorp Genetics (formerly Invitae), Labcorp
Classification: Pathogenic for Emery-Dreifuss muscular dystrophy 4, autosomal dominant; Autosomal recessive ataxia, Beauce type. Last evaluated: 2025-04-01. Review status: criteria provided, single submitter. Criteria: Invitae Variant Classification Sherloc (09022015). Collection method: clinical testing. Allele origin: germline.
Comment: This sequence change creates a premature translational stop signal (p.Gln7117*) in the SYNE1 gene. It is expected to result in an absent or disrupted protein product. Loss-of-function variants in SYNE1 are known to be pathogenic (PMID: 19542096, 24319099, 27086870). This variant is not present in population databases (gnomAD no frequency). This variant has not been reported in the literature in individuals affected with SYNE1-related conditions. Algorithms developed to predict the effect of sequence changes on RNA splicing suggest that this variant may disrupt the consensus splice site. For these reasons, this variant has been classified as Pathogenic.

Literature cited by the submitters: PubMed 19542096; PubMed 24319099; PubMed 27086870.

NM_182961.4(SYNE1):c.21562C>T (p.Gln7188Ter)

Genes: SYNE1 (spectrin repeat containing nuclear envelope protein 1; minus strand), LOC126859836 (MED14-independent group 3 enhancer GRCh37_chr6:152542272-152543471; plus strand). Cytogenetic location: 6q25.2.
Variant type: single nucleotide variant.
Coding change: c.21562C>T on transcript NM_182961.4 (MANE Select); coding-DNA position 21562, C replaced by T.
Protein change: p.Gln7188Ter; replaces glutamine 7188 with a stop codon.
Molecular consequence: nonsense.
Genome position (GRCh38, 1-based): chr6:152,221,520, G>A on the plus strand (C>T on the coding strand, the complement: SYNE1 is on the minus strand). VCF-style: chr6-152221520-G-A. GRCh37 (hg19) VCF-style: chr6-152542655-G-A.
Other names: c.21349C>T, p.Gln7117Ter (NM_033071.5); short protein forms Q7117*, Q7188*.
Identifiers: ClinVar variation 4789230 (VCV004789230.1).